The following is an entry in ClinVar:

ClinVar aggregate classification (germline): Likely pathogenic (1 of 4 stars; one submission).

Conditions:
Primary ciliary dyskinesia 5. Also called: CILIARY DYSKINESIA, PRIMARY, 5, WITHOUT SITUS INVERSUS. Identifiers: Orphanet 244, MedGen C1837615, MONDO:0012088, OMIM 608647.

Submission:

Royal Brompton Clinical Genetics And Genomics Laboratory, NHS South East Genomic Laboratory Hub
Classification: Likely pathogenic for Primary ciliary dyskinesia 5. Last evaluated: 2024-03-06. Review status: criteria provided, single submitter. Criteria: RBHT-CGGL ClinVar Assertion Criteria. Collection method: clinical testing. Allele origin: germline. Affected: yes. Observed: 1 variant allele.

NM_001270974.2(HYDIN):c.14157T>G (p.Tyr4719Ter)

Gene: HYDIN (HYDIN axonemal central pair apparatus protein; minus strand). Cytogenetic location: 16q22.2.
Variant type: single nucleotide variant.
Coding change: c.14157T>G on transcript NM_001270974.2 (MANE Select); coding-DNA position 14157, T replaced by G.
Protein change: p.Tyr4719Ter; replaces tyrosine 4719 with a stop codon.
Molecular consequence: nonsense.
Genome position (GRCh38, 1-based): chr16:70,828,385, A>C on the plus strand (T>G on the coding strand, the complement: HYDIN is on the minus strand). VCF-style: chr16-70828385-A-C. GRCh37 (hg19) VCF-style: chr16-70862288-A-C.
Other names: short protein forms Y4719*.
Identifiers: ClinVar variation 3027493 (VCV003027493.1), dbSNP rs2507871693, ClinGen allele CA396591981.
Genomic context (GRCh38, chr16:70,828,385, plus strand): 5'-TGGCACTTCACGATAGATATTGGCTACAGCTTTGGGGAGCTCAGAAGTCCCATGCAGAGC[A>C]TACAGCCAGCCGGTCCCATCTGGGAGGGGGAAGAAGAGGGTGCCCTAAGGAGAAGAAGGA-3'